The following is an entry in ClinVar:

NM_001201543.2(FAM161A):c.1408G>C (p.Glu470Gln)

Gene: FAM161A (FAM161 centrosomal protein A; minus strand). Cytogenetic location: 2p15.
Variant type: single nucleotide variant.
Coding change: c.1408G>C on transcript NM_001201543.2 (MANE Select); coding-DNA position 1408, G replaced by C.
Protein change: p.Glu470Gln; replaces glutamic acid 470 with glutamine.
Molecular consequence: missense variant. On other transcripts: non-coding transcript variant (1).
Genome position (GRCh38, 1-based): chr2:61,839,596, C>G on the plus strand (G>C on the coding strand, the complement: FAM161A is on the minus strand). VCF-style: chr2-61839596-C-G. GRCh37 (hg19) VCF-style: chr2-62066731-C-G.
Other names: c.1408G>C (NM_001201543.1); c.1408G>C, p.Glu470Gln (NM_032180.3); short protein forms E470Q.
Identifiers: ClinVar variation 336737 (VCV000336737.8), dbSNP rs554664966, ClinGen allele CA1679163.

ClinVar aggregate classification (germline): Conflicting classifications of pathogenicity. Review status: criteria provided, conflicting classifications (1 of 4 stars). 4 submissions from 4 submitters: Uncertain significance (3); Benign (1). Last evaluated 2025-01-17.

Conditions:
Inborn genetic diseases. Identifiers: MedGen C0950123, MeSH D030342.
Retinitis pigmentosa (RP). Identifiers: Orphanet 791, MedGen C0035334, MeSH D012174, MONDO:0019200, OMIM 268000. Inheritance: Autosomal dominant, autosomal recessive and X linked inheritance.

Allele frequency attached by ClinVar (database versions not stated): TOPMed below 0.00001; gnomAD 0.00001; 1000 Genomes Project 30x 0.00016; 1000 Genomes Project 0.00020; ExAC 0.00021.
gnomAD v4.1: 126 of 1,614,170 alleles (0.0078%); highest among the groups gnomAD compares: South Asian, 0.13%; 1 homozygote.

Submissions (4):

Ambry Genetics
Classification: Uncertain significance for Inborn genetic diseases. Last evaluated: 2025-01-17. Review status: criteria provided, single submitter. Criteria: Ambry Variant Classification Scheme 2023. Collection method: clinical testing. Allele origin: germline.

Blueprint Genetics
Classification: Benign. Last evaluated: 2023-08-14. Review status: criteria provided, single submitter. Criteria: ACMG Guidelines, 2015. Collection method: clinical testing. Allele origin: germline.

Labcorp Genetics (formerly Invitae), Labcorp
Classification: Uncertain significance. Last evaluated: 2022-05-08. Review status: criteria provided, single submitter. Criteria: Invitae Variant Classification Sherloc (09022015). Collection method: clinical testing. Allele origin: germline.
Comment: This sequence change replaces glutamic acid, which is acidic and polar, with glutamine, which is neutral and polar, at codon 470 of the FAM161A protein (p.Glu470Gln). This variant is present in population databases (rs554664966, gnomAD 0.1%). This variant has not been reported in the literature in individuals affected with FAM161A-related conditions. ClinVar contains an entry for this variant (Variation ID: 336737). Algorithms developed to predict the effect of missense changes on protein structure and function output the following: SIFT: "Tolerated"; PolyPhen-2: "Benign"; Align-GVGD: "Class C0". The glutamine amino acid residue is found in multiple mammalian species, which suggests that this missense change does not adversely affect protein function. In summary, the available evidence is currently insufficient to determine the role of this variant in disease. Therefore, it has been classified as a Variant of Uncertain Significance.

Illumina Laboratory Services, Illumina
Classification: Uncertain significance for Retinitis pigmentosa. Last evaluated: 2018-01-12. Review status: criteria provided, single submitter. Criteria: ICSL Variant Classification Criteria 13 December 2019. Collection method: clinical testing. Allele origin: germline.